The following is an entry in ClinVar:

NM_001134363.3(RBM20):c.2776dup (p.Ile926fs)

Gene: RBM20 (RNA binding motif protein 20; plus strand). Cytogenetic location: 10q25.2.
Variant type: Duplication.
Coding change: c.2776dup on transcript NM_001134363.3 (MANE Select); coding-DNA position 2776, one base duplicated (A; older notation c.2776dupA).
Protein change: p.Ile926fs; shifts the reading frame from isoleucine 926.
Molecular consequence: frameshift variant.
Genome position (GRCh38, 1-based): chr10:110,821,395, A duplicated. VCF-style (leftmost placement, unchanged base first): chr10-110821394-C-CA. GRCh37 (hg19) VCF-style: chr10-112581152-C-CA.
Other names: short protein forms I926fs.
Identifiers: ClinVar variation 3721372 (VCV003721372.2).

ClinVar aggregate classification (germline): Pathogenic (1 of 4 stars; one submission).

Conditions:
Dilated cardiomyopathy 1DD (CMD1DD). Identifiers: Orphanet 154, MedGen C2750995, MONDO:0013168, OMIM 613172.

Submission:

Labcorp Genetics (formerly Invitae), Labcorp
Classification: Pathogenic for Dilated cardiomyopathy 1DD. Last evaluated: 2025-12-06. Review status: criteria provided, single submitter. Criteria: Invitae Variant Classification Sherloc (09022015). Collection method: clinical testing. Allele origin: germline.
Comment: This sequence change creates a premature translational stop signal (p.Ile926Asnfs*11) in the RBM20 gene. It is expected to result in an absent or disrupted protein product. Loss-of-function variants in RBM20 are known to be pathogenic (PMID: 20590677, 22004663, 38288598, 38510713, 40339755). This variant is not present in population databases (gnomAD no frequency). This variant has not been reported in the literature in individuals affected with RBM20-related conditions. ClinVar contains an entry for this variant (Variation ID: 3721372). For these reasons, this variant has been classified as Pathogenic.

Literature cited by the submitters: PubMed 20590677; PubMed 22004663; PubMed 38288598; PubMed 38510713; PubMed 40339755.